The following is an entry in ClinVar:

NM_000077.5(CDKN2A):c.30del (p.Glu10fs)

Gene: CDKN2A (cyclin dependent kinase inhibitor 2A; minus strand). Cytogenetic location: 9p21.3.
Variant type: Deletion.
Coding change: c.30del on transcript NM_000077.5; coding-DNA position 30, one base deleted (G; older notation c.30delG).
Protein change: p.Glu10fs; shifts the reading frame from glutamic acid 10.
Molecular consequence: frameshift variant (on NM_000077.6). On other transcripts: intron variant (2).
Genome position (GRCh38, 1-based): chr9:21,974,798, C deleted on the plus strand (G on the coding strand, the reverse complement: CDKN2A is on the minus strand). VCF-style (leftmost placement, unchanged base first): chr9-21974797-GC-G. GRCh37 (hg19) VCF-style: chr9-21974796-GC-G.
Other names: c.30delG, p.Glu10Aspfs (NM_000077.6); c.30del, p.Glu10fs (NM_001195132.2, NM_058197.5); c.-3-3590del (NM_001363763.2); c.194-3590del (NM_058195.4); short protein forms E10fs.
Identifiers: ClinVar variation 463496 (VCV000463496.8), dbSNP rs1554656624, ClinGen allele CA658656038.

ClinVar aggregate classification (germline): Pathogenic (1 of 4 stars; one submission).

Conditions:
Familial melanoma. Also called: Hereditary melanoma; Hereditary cutaneous melanoma. Identifiers: Orphanet 618, MedGen C1512419, MONDO:0018961.

Submission:

Labcorp Genetics (formerly Invitae), Labcorp
Classification: Pathogenic for Familial melanoma. Last evaluated: 2018-03-27. Review status: criteria provided, single submitter. Criteria: Invitae Variant Classification Sherloc (09022015). Collection method: clinical testing. Allele origin: germline.
Comment: For these reasons, this variant has been classified as Pathogenic. Loss-of-function variants in CDKN2A are known to be pathogenic (PMID: 15146471, 16905682). This variant has not been reported in the literature in individuals with CDKN2A-related disease. ClinVar contains an entry for this variant (Variation ID: 463496). This variant is not present in population databases (ExAC no frequency). This sequence change creates a premature translational stop signal (p.Glu10Aspfs*16) in the CDKN2A gene. It is expected to result in an absent or disrupted protein product.

Literature cited by the submitters: PubMed 15146471; PubMed 16905682.